The following is an entry in ClinVar:

NM_032119.4(ADGRV1):c.16934A>G (p.Asn5645Ser)

Gene: ADGRV1 (adhesion G protein-coupled receptor V1; plus strand). Cytogenetic location: 5q14.3.
Variant type: single nucleotide variant.
Coding change: c.16934A>G on transcript NM_032119.4 (MANE Select); coding-DNA position 16934, A replaced by G.
Protein change: p.Asn5645Ser; replaces asparagine 5645 with serine.
Molecular consequence: missense variant. On other transcripts: non-coding transcript variant (1).
Genome position (GRCh38, 1-based): chr5:90,840,900, A>G. VCF-style: chr5-90840900-A-G. GRCh37 (hg19) VCF-style: chr5-90136717-A-G.
Other names: c.16934A>G (NM_032119.3); short protein forms N5645S.
Identifiers: ClinVar variation 1461586 (VCV001461586.6), dbSNP rs2150360137, ClinGen allele CA360428827.

ClinVar aggregate classification (germline): Uncertain significance. Review status: criteria provided, multiple submitters, no conflicts (2 of 4 stars). 2 submissions from 2 submitters: Uncertain significance (2). Last evaluated 2024-11-06.

Submissions (2):

Athena Diagnostics
Classification: Uncertain significance. Last evaluated: 2024-11-06. Review status: criteria provided, single submitter. Criteria: Athena Diagnostics Criteria. Collection method: clinical testing. Allele origin: unknown.
Comment: Available data are insufficient to determine the clinical significance of the variant at this time. This variant has not been reported in large, multi-ethnic general populations. Polyphen and MutationTaster predict this amino acid change may be benign.

Labcorp Genetics (formerly Invitae), Labcorp
Classification: Uncertain significance. Last evaluated: 2021-11-14. Review status: criteria provided, single submitter. Criteria: Invitae Variant Classification Sherloc (09022015). Collection method: clinical testing. Allele origin: germline.
Comment: This sequence change replaces asparagine, which is neutral and polar, with serine, which is neutral and polar, at codon 5645 of the ADGRV1 protein (p.Asn5645Ser). This variant is not present in population databases (gnomAD no frequency). This variant has not been reported in the literature in individuals affected with ADGRV1-related conditions. Algorithms developed to predict the effect of missense changes on protein structure and function output the following: SIFT: "Tolerated"; PolyPhen-2: "Benign"; Align-GVGD: "Class C0". The serine amino acid residue is found in multiple mammalian species, which suggests that this missense change does not adversely affect protein function. In summary, the available evidence is currently insufficient to determine the role of this variant in disease. Therefore, it has been classified as a Variant of Uncertain Significance.